The following is an entry in ClinVar:

ClinVar aggregate classification (germline): Conflicting classifications of pathogenicity. Review status: criteria provided, conflicting classifications (1 of 4 stars). 4 submissions from 4 submitters: Uncertain significance (3); Benign (1). Last evaluated 2024-11-20.

Conditions:
Inborn genetic diseases. Identifiers: MedGen C0950123, MeSH D030342.
Jalili syndrome. Also called: CONE-ROD DYSTROPHY AND AMELOGENESIS IMPERFECTA. Identifiers: Orphanet 1873, MedGen C3495589, MONDO:0009007, OMIM 217080.

Allele frequency attached by ClinVar (database versions not stated): ESP Exome Variant Server 0.00016; gnomAD 0.00027 and 0.00030; TOPMed 0.00027.
gnomAD v4.1: 350 of 1,551,398 alleles (0.023%); highest among the groups gnomAD compares: Middle Eastern, 0.033%; 3 homozygotes.

Submissions (4):

Blueprint Genetics
Classification: Benign. Last evaluated: 2024-11-20. Review status: criteria provided, single submitter. Criteria: ACMG Guidelines, 2015. Collection method: clinical testing. Allele origin: germline.

Ambry Genetics
Classification: Uncertain significance for Inborn genetic diseases. Last evaluated: 2024-11-08. Review status: criteria provided, single submitter. Criteria: Ambry Variant Classification Scheme 2023. Collection method: clinical testing. Allele origin: germline.

Labcorp Genetics (formerly Invitae), Labcorp
Classification: Uncertain significance. Last evaluated: 2024-01-11. Review status: criteria provided, single submitter. Criteria: Invitae Variant Classification Sherloc (09022015). Collection method: clinical testing. Allele origin: germline.
Comment: This sequence change replaces proline, which is neutral and non-polar, with serine, which is neutral and polar, at codon 648 of the CNNM4 protein (p.Pro648Ser). This variant is present in population databases (rs144495984, gnomAD 0.2%). This variant has not been reported in the literature in individuals affected with CNNM4-related conditions. ClinVar contains an entry for this variant (Variation ID: 337590). Advanced modeling of protein sequence and biophysical properties (such as structural, functional, and spatial information, amino acid conservation, physicochemical variation, residue mobility, and thermodynamic stability) performed at Invitae indicates that this missense variant is not expected to disrupt CNNM4 protein function with a negative predictive value of 80%. In summary, the available evidence is currently insufficient to determine the role of this variant in disease. Therefore, it has been classified as a Variant of Uncertain Significance.

Illumina Laboratory Services, Illumina
Classification: Uncertain significance for Jalili syndrome. Last evaluated: 2018-01-12. Review status: criteria provided, single submitter. Criteria: ICSL Variant Classification Criteria 13 December 2019. Collection method: clinical testing. Allele origin: germline.

NM_020184.4(CNNM4):c.1942C>T (p.Pro648Ser)

Gene: CNNM4 (cyclin and CBS domain divalent metal cation transport mediator 4; plus strand). Cytogenetic location: 2q11.2.
Variant type: single nucleotide variant.
Coding change: c.1942C>T on transcript NM_020184.4 (MANE Select); coding-DNA position 1942, C replaced by T.
Protein change: p.Pro648Ser; replaces proline 648 with serine.
Molecular consequence: missense variant.
Genome position (GRCh38, 1-based): chr2:96,799,642, C>T. VCF-style: chr2-96799642-C-T. GRCh37 (hg19) VCF-style: chr2-97465379-C-T.
Other names: short protein forms P648S.
Identifiers: ClinVar variation 337590 (VCV000337590.13), dbSNP rs144495984, ClinGen allele CA1783513.